The following is an entry in ClinVar:

NM_002582.4(PARN):c.1703_1705del (p.Asn568_Leu569delinsMet)

Gene: PARN (poly(A)-specific ribonuclease; minus strand). Cytogenetic location: 16p13.12.
Variant type: Deletion.
Coding change: c.1703_1705del on transcript NM_002582.4 (MANE Select); coding-DNA positions 1703 to 1705, 3 bases deleted (ATT; older notation c.1703_1705delATT).
Protein change: p.Asn568_Leu569delinsMet.
Molecular consequence: inframe indel.
Genome position (GRCh38, 1-based): chr16:14,447,047-14,447,049, AAT deleted on the plus strand (ATT on the coding strand, the reverse complement: PARN is on the minus strand). VCF-style (leftmost placement, unchanged base first): chr16-14447046-AAAT-A. GRCh37 (hg19) VCF-style: chr16-14540903-AAAT-A.
Other names: c.1520_1522del, p.Asn507_Leu508delinsMet (NM_001134477.3); c.1565_1567del, p.Asn522_Leu523delinsMet (NM_001242992.2).
Identifiers: ClinVar variation 4788743 (VCV004788743.1).

ClinVar aggregate classification (germline): Uncertain significance (1 of 4 stars; one submission).

Conditions:
Pulmonary fibrosis and/or bone marrow failure, Telomere-related, 4. Also called: PULMONARY FIBROSIS AND/OR BONE MARROW FAILURE SYNDROME, TELOMERE-RELATED, 4. Identifiers: Orphanet 2032, MedGen C4225347, MONDO:0014612, OMIM 616371.
Dyskeratosis congenita, autosomal recessive 6 (DKCB6). Identifiers: MedGen C4225356, MONDO:0014600, OMIM 616353.

Submission:

Labcorp Genetics (formerly Invitae), Labcorp
Classification: Uncertain significance for Dyskeratosis congenita, autosomal recessive 6; Pulmonary fibrosis and/or bone marrow failure, Telomere-related, 4. Last evaluated: 2025-12-03. Review status: criteria provided, single submitter. Criteria: Invitae Variant Classification Sherloc (09022015). Collection method: clinical testing. Allele origin: germline.
Comment: This variant, c.1703_1705del, is a complex sequence change that results in the deletion of 2 and insertion of 1 amino acid(s) in the PARN protein (p.Asn568_Leu569delinsMet). This variant is present in population databases (no rsID available, gnomAD 0.0009%). This variant has not been reported in the literature in individuals affected with PARN-related conditions. Experimental studies and prediction algorithms are not available or were not evaluated, and the functional significance of this variant is currently unknown. In summary, the available evidence is currently insufficient to determine the role of this variant in disease. Therefore, it has been classified as a Variant of Uncertain Significance.